The following is an entry in ClinVar:

ClinVar aggregate classification (germline): Uncertain significance. Review status: criteria provided, multiple submitters, no conflicts (2 of 4 stars). 2 submissions from 2 submitters: Uncertain significance (2). Last evaluated 2025-03-13.

Conditions:
POLD1-related polyposis and colorectal cancer syndrome (CRCS10). Also called: Colorectal cancer 10; COLORECTAL CANCER, SUSCEPTIBILITY TO, ON CHROMOSOME 19q; Colorectal cancer, susceptibility to, 10. Identifiers: Orphanet 220460, MedGen C2675481, MONDO:0012953, OMIM 612591.
Hereditary cancer-predisposing syndrome. Also called: Neoplastic Syndromes, Hereditary; Tumor predisposition; Hereditary Cancer Syndrome; Hereditary neoplastic syndrome. Identifiers: Orphanet 140162, MedGen C0027672, MeSH D009386, MONDO:0015356.

Submissions (2):

Ambry Genetics
Classification: Uncertain significance for Hereditary cancer-predisposing syndrome. Last evaluated: 2025-03-13. Review status: criteria provided, single submitter. Criteria: Ambry Variant Classification Scheme 2023. Collection method: clinical testing. Allele origin: germline.
Comment: The c.1224_1225delTC variant, located in coding exon 9 of the POLD1 gene, results from a deletion of two nucleotides at nucleotide positions 1224 to 1225, causing a translational frameshift with a predicted alternate stop codon (p.R409Gfs*225). This alteration is expected to result in loss of function by premature protein truncation or nonsense-mediated mRNA decay. However, loss of function of POLD1 has not been established as a mechanism of disease. Based on the available evidence, the clinical significance of this alteration remains unclear.

Labcorp Genetics (formerly Invitae), Labcorp
Classification: Uncertain significance for POLD1-related polyposis and colorectal cancer syndrome. Last evaluated: 2025-02-27. Review status: criteria provided, single submitter. Criteria: Invitae Variant Classification Sherloc (09022015). Collection method: clinical testing. Allele origin: germline.
Comment: This sequence change creates a premature translational stop signal (p.Arg409Glyfs*225) in the POLD1 gene. Missense variants that disrupt the 3'-5' exonuclease (proof-reading) activity of the POLD1 protein are associated with PPAP (polymerase proofreading–associated polyposis) (PMID: 23263490, 23447401). However, loss-of-function variants that result in an absent or severely disrupted POLD1 protein, and missense variants outside the exonuclease domain, are unlikely to be associated with PPAP. This variant is not present in population databases (gnomAD no frequency). This variant has not been reported in the literature in individuals affected with POLD1-related conditions. In summary, the available evidence is currently insufficient to determine the role of this variant in disease. Therefore, it has been classified as a Variant of Uncertain Significance.

Literature cited by the submitters: PubMed 23263490 (cited by Labcorp Genetics (formerly Invitae), Labcorp); PubMed 23447401 (cited by Labcorp Genetics (formerly Invitae), Labcorp).

NM_002691.4(POLD1):c.1224_1225del (p.Arg409fs)

Gene: POLD1 (DNA polymerase delta 1, catalytic subunit; plus strand). Cytogenetic location: 19q13.33.
Variant type: Microsatellite.
Coding change: c.1224_1225del on transcript NM_002691.4 (MANE Select); coding-DNA positions 1224 to 1225, 2 bases deleted (TC; older notation c.1224_1225delTC).
Protein change: p.Arg409fs; shifts the reading frame from arginine 409.
Molecular consequence: frameshift variant. On other transcripts: non-coding transcript variant (1).
Genome position (GRCh38, 1-based): chr19:50,403,579-50,403,580, TC deleted; deleting any 2 consecutive bases within chr19:50,403,575-50,403,580 gives the same sequence; the c. name uses the placement nearest the transcript's 3' end. VCF-style (leftmost placement, unchanged base first): chr19-50403574-ATC-A. GRCh37 (hg19) VCF-style: chr19-50906831-ATC-A.
Other names: c.1224_1225del, p.Arg409fs (NM_001256849.1, NM_001308632.1); short protein forms R409fs.
Identifiers: ClinVar variation 3891290 (VCV003891290.2).